The following is an entry in ClinVar:

ClinVar aggregate classification (germline): Uncertain significance. Review status: criteria provided, multiple submitters, no conflicts (2 of 4 stars). 2 submissions from 2 submitters: Uncertain significance (2). Last evaluated 2019-10-22.

Conditions:
Charcot-Marie-Tooth disease, type I (CMT1). Also called: Charcot-Marie-Tooth, Type 1; Charcot-Marie-Tooth disease type 1. Identifiers: Orphanet 65753, MedGen C0751036, MONDO:0019011.

Submissions (2):

Labcorp Genetics (formerly Invitae), Labcorp
Classification: Uncertain significance for Charcot-Marie-Tooth disease, type I. Last evaluated: 2019-10-22. Review status: criteria provided, single submitter. Criteria: Invitae Variant Classification Sherloc (09022015). Collection method: clinical testing. Allele origin: germline.
Comment: This sequence change replaces arginine with leucine at codon 405 of the EGR2 protein (p.Arg405Leu). The arginine residue is highly conserved and there is a moderate physicochemical difference between arginine and leucine. This variant is not present in population databases (ExAC no frequency). This variant has not been reported in the literature in individuals with EGR2-related conditions. Algorithms developed to predict the effect of missense changes on protein structure and function are either unavailable or do not agree on the potential impact of this missense change (SIFT: "Deleterious"; PolyPhen-2: "Probably Damaging"; Align-GVGD: "Class C15"). In summary, the available evidence is currently insufficient to determine the role of this variant in disease. Therefore, it has been classified as a Variant of Uncertain Significance.

Blueprint Genetics
Classification: Uncertain significance. Last evaluated: 2019-08-02. Review status: criteria provided, single submitter. Criteria: ACMG Guidelines, 2015. Collection method: clinical testing. Allele origin: germline.

NM_000399.5(EGR2):c.1214G>T (p.Arg405Leu)

Gene: EGR2 (early growth response 2; minus strand). Cytogenetic location: 10q21.3.
Variant type: single nucleotide variant.
Coding change: c.1214G>T on transcript NM_000399.5 (MANE Select); coding-DNA position 1214, G replaced by T.
Protein change: p.Arg405Leu; replaces arginine 405 with leucine.
Molecular consequence: missense variant.
Genome position (GRCh38, 1-based): chr10:62,813,424, C>A on the plus strand (G>T on the coding strand, the complement: EGR2 is on the minus strand). VCF-style: chr10-62813424-C-A. GRCh37 (hg19) VCF-style: chr10-64573184-C-A.
Other names: c.1214G>T, p.Arg405Leu (NM_001136177.3, NM_001136178.2); c.1064G>T, p.Arg355Leu (NM_001136179.3, NM_001321037.2); short protein forms R405L, R355L.
Identifiers: ClinVar variation 964728 (VCV000964728.2), dbSNP rs1842164540, ClinGen allele CA377027338.